The following is an entry in ClinVar:

ClinVar aggregate classification (germline): Uncertain significance. Review status: criteria provided, multiple submitters, no conflicts (2 of 4 stars). 2 submissions from 2 submitters: Uncertain significance (2). Last evaluated 2024-10-19.

Conditions:
Malignant hyperthermia, susceptibility to, 1 (MHS1). Also called: Anesthesia related hyperthermia; Malignant hyperpyrexia; Fulminating hyperpyrexia; Pharmacogenic myopathy; RYR1-Related Malignant Hyperthermia Susceptibility; Malignant hyperthermia suceptibility 1. Identifiers: Orphanet 423, MedGen C2930980, MONDO:0007783, OMIM 145600.
RYR1-related disorder. Also called: RYR1-related condition; RYR1-related disorders. Identifiers: MedGen CN239331.

Allele frequency attached by ClinVar (database versions not stated): gnomAD exomes 0.00001; ExAC 0.00002.
gnomAD v4.1: 16 of 1,612,232 alleles (0.00099%); highest among the groups gnomAD compares: East Asian, 0.016%; no homozygotes.

Submissions (2):

Labcorp Genetics (formerly Invitae), Labcorp
Classification: Uncertain significance for RYR1-related disorder. Last evaluated: 2024-10-19. Review status: criteria provided, single submitter. Criteria: Invitae Variant Classification Sherloc (09022015). Collection method: clinical testing. Allele origin: germline.
Comment: This sequence change falls in intron 57 of the RYR1 gene. It does not directly change the encoded amino acid sequence of the RYR1 protein. It affects a nucleotide within the consensus splice site. This variant is present in population databases (rs770151836, gnomAD 0.02%). This variant has not been reported in the literature in individuals affected with RYR1-related conditions. ClinVar contains an entry for this variant (Variation ID: 2049724). Variants that disrupt the consensus splice site are a relatively common cause of aberrant splicing (PMID: 17576681, 9536098). Algorithms developed to predict the effect of sequence changes on RNA splicing suggest that this variant is not likely to affect RNA splicing. In summary, the available evidence is currently insufficient to determine the role of this variant in disease. Therefore, it has been classified as a Variant of Uncertain Significance.

Color Diagnostics, LLC DBA Color Health
Classification: Uncertain significance for Malignant hyperthermia, susceptibility to, 1. Last evaluated: 2024-07-17. Review status: criteria provided, single submitter. Criteria: ACMG Guidelines, 2015. Collection method: clinical testing. Allele origin: germline.
Comment: This variant causes a C to T nucleotide substitution at the +6 position of intron 57 of the RYR1 gene. To our knowledge, functional studies have not been reported for this variant. This variant has not been reported in individuals affected with RYR1-related disorders in the literature. This variant has been identified in 4/282232 chromosomes in the general population by the Genome Aggregation Database (gnomAD). The available evidence is insufficient to determine the role of this variant in disease conclusively. Therefore, this variant is classified as a Variant of Uncertain Significance.

Literature cited by the submitters: PubMed 17576681 (cited by Labcorp Genetics (formerly Invitae), Labcorp); PubMed 9536098 (cited by Labcorp Genetics (formerly Invitae), Labcorp).

NM_000540.3(RYR1):c.8816+6C>T

Gene: RYR1 (ryanodine receptor 1; plus strand). Cytogenetic location: 19q13.2.
Variant type: single nucleotide variant.
Coding change: c.8816+6C>T on transcript NM_000540.3 (MANE Select); 6 bases into the intron after coding-DNA position 8816, C replaced by T.
Molecular consequence: intron variant.
Genome position (GRCh38, 1-based): chr19:38,506,958, C>T. VCF-style: chr19-38506958-C-T. GRCh37 (hg19) VCF-style: chr19-38997598-C-T.
Other names: c.8816+6C>T (NM_001042723.2).
Identifiers: ClinVar variation 2049724 (VCV002049724.4), dbSNP rs770151836, ClinGen allele CA072795.